The following is an entry in ClinVar:

ClinVar aggregate classification (germline): Uncertain significance (1 of 4 stars; one submission).

Conditions:
Congenital myopathy with internal nuclei and atypical cores. Also called: Myopathy, centronuclear, 4. Identifiers: Orphanet 319160, MedGen C4707232, MONDO:0013890, OMIM 614807.

Allele frequency attached by ClinVar (database versions not stated): gnomAD 0.00001; TOPMed 0.00001; gnomAD exomes 0.00003 and 0.00004; ExAC 0.00004.
gnomAD v4.1: 48 of 1,612,590 alleles (0.003%); highest among the groups gnomAD compares: South Asian, 0.014%; no homozygotes.

Submission:

Labcorp Genetics (formerly Invitae), Labcorp
Classification: Uncertain significance for Congenital myopathy with internal nuclei and atypical cores. Last evaluated: 2023-10-13. Review status: criteria provided, single submitter. Criteria: Invitae Variant Classification Sherloc (09022015). Collection method: clinical testing. Allele origin: germline.
Comment: This sequence change replaces arginine, which is basic and polar, with tryptophan, which is neutral and slightly polar, at codon 393 of the CCDC78 protein (p.Arg393Trp). This variant is present in population databases (rs767496331, gnomAD 0.01%). This variant has not been reported in the literature in individuals affected with CCDC78-related conditions. ClinVar contains an entry for this variant (Variation ID: 1376999). Advanced modeling of protein sequence and biophysical properties (such as structural, functional, and spatial information, amino acid conservation, physicochemical variation, residue mobility, and thermodynamic stability) performed at Invitae indicates that this missense variant is not expected to disrupt CCDC78 protein function. In summary, the available evidence is currently insufficient to determine the role of this variant in disease. Therefore, it has been classified as a Variant of Uncertain Significance.

NM_001378030.1(CCDC78):c.1177C>T (p.Arg393Trp)

Gene: CCDC78 (coiled-coil domain containing 78; minus strand). Cytogenetic location: 16p13.3.
Variant type: single nucleotide variant.
Coding change: c.1177C>T on transcript NM_001378030.1 (MANE Select); coding-DNA position 1177, C replaced by T.
Protein change: p.Arg393Trp; replaces arginine 393 with tryptophan.
Molecular consequence: missense variant. On other transcripts: non-coding transcript variant (5).
Genome position (GRCh38, 1-based): chr16:723,118, G>A on the plus strand (C>T on the coding strand, the complement: CCDC78 is on the minus strand). VCF-style: chr16-723118-G-A. GRCh37 (hg19) VCF-style: chr16-773118-G-A.
Other names: c.1177C>T, p.Arg393Trp (NM_001031737.3); c.997C>T, p.Arg333Trp (NM_001378031.1); c.610C>T, p.Arg204Trp (NM_001378033.1); short protein forms R204W, R333W, R393W.
Identifiers: ClinVar variation 1376999 (VCV001376999.8), dbSNP rs767496331, ClinGen allele CA7789145.